The following is an entry in ClinVar:

NM_020937.4(FANCM):c.4263G>T (p.Glu1421Asp)

Gene: FANCM (FA complementation group M; plus strand). Cytogenetic location: 14q21.2.
Variant type: single nucleotide variant.
Coding change: c.4263G>T on transcript NM_020937.4 (MANE Select); coding-DNA position 4263, G replaced by T.
Protein change: p.Glu1421Asp; replaces glutamic acid 1421 with aspartic acid.
Molecular consequence: missense variant.
Genome position (GRCh38, 1-based): chr14:45,181,470, G>T. VCF-style: chr14-45181470-G-T. GRCh37 (hg19) VCF-style: chr14-45650673-G-T.
Other names: c.4185G>T, p.Glu1395Asp (NM_001308133.2); short protein forms E1395D, E1421D.
Identifiers: ClinVar variation 5036591 (VCV005036591.1).

ClinVar aggregate classification (germline): Uncertain significance (1 of 4 stars; one submission).

Conditions:
Inborn genetic diseases. Identifiers: MedGen C0950123, MeSH D030342.

Submission:

Ambry Genetics
Classification: Uncertain significance for Inborn genetic diseases. Last evaluated: 2026-06-28. Review status: criteria provided, single submitter. Criteria: Ambry Variant Classification Scheme 2023. Collection method: clinical testing. Allele origin: germline.
Comment: The p.E1421D variant (also known as c.4263G>T), located in coding exon 15 of the FANCM gene, results from a G to T substitution at nucleotide position 4263. The glutamic acid at codon 1421 is replaced by aspartic acid, an amino acid with highly similar properties. This amino acid position is conserved. In addition, this alteration is predicted to be tolerated by in silico analysis. Based on the available evidence, the clinical significance of this variant remains unclear.